The following is an entry in ClinVar:

NM_001363059.2(MTUS1):c.3313G>C (p.Glu1105Gln)

Gene: MTUS1 (microtubule associated scaffold protein 1; minus strand). Cytogenetic location: 8p22.
Variant type: single nucleotide variant.
Coding change: c.3313G>C on transcript NM_001363059.2 (MANE Select); coding-DNA position 3313, G replaced by C.
Protein change: p.Glu1105Gln; replaces glutamic acid 1105 with glutamine.
Molecular consequence: missense variant. On other transcripts: non-coding transcript variant (1).
Genome position (GRCh38, 1-based): chr8:17,653,257, C>G on the plus strand (G>C on the coding strand, the complement: MTUS1 is on the minus strand). VCF-style: chr8-17653257-C-G. GRCh37 (hg19) VCF-style: chr8-17510766-C-G.
Other names: c.3313G>C, p.Glu1105Gln (NM_001001924.3, NM_001363057.2, NM_001363058.2 and 1 more transcripts); c.3151G>C, p.Glu1051Gln (NM_001001925.3, NM_001363060.2, NM_001363062.2); c.1054G>C, p.Glu352Gln (NM_001001931.3); c.748G>C, p.Glu250Gln (NM_001166393.2); c.529G>C, p.Glu177Gln (NM_001330470.2); c.811G>C, p.Glu271Gln (NM_020749.5); short protein forms E1051Q, E1105Q, E177Q, E250Q, E271Q, E352Q.
Identifiers: ClinVar variation 2658445 (VCV002658445.24), dbSNP rs61733705, ClinGen allele CA4646114.
Genomic context (GRCh38, chr8:17,653,257, plus strand): 5'-TTTCTCTTGCTCTTCTTTTTTGTTCTTCTGATTTCAATTTTTCATTTAAAGCATCATTTT[C>G]ACTCTTCAGATCATTGATTTGCTTCTAAAACACAATGAAATGTGGAACTTAAGTTAACAA-3'
Protein context (NP_001349988.1, residues 1095-1115): LEKQINDLKS[Glu1105Gln]NDALNEKLKS

ClinVar aggregate classification (germline): Likely benign (1 of 4 stars; one submission).

Allele frequency attached by ClinVar (database versions not stated): 1000 Genomes Project 30x 0.00625; 1000 Genomes Project 0.00659; ESP Exome Variant Server 0.00772; gnomAD 0.00774; TOPMed 0.00783; ExAC 0.00895.
gnomAD v4.1: 11,895 of 1,557,832 alleles (0.76%); highest among the groups gnomAD compares: Middle Eastern, 2.1%; 62 homozygotes.

Submission:

CeGaT Center for Human Genetics Tuebingen
Classification: Likely benign. Last evaluated: 2023-01-01. Review status: criteria provided, single submitter. Criteria: CeGaT Center For Human Genetics Tuebingen Variant Classification Criteria Version 2. Collection method: clinical testing. Allele origin: germline. Affected: yes. Observed: 1 variant allele.
Comment: MTUS1: BS2